The following is an entry in ClinVar:

ClinVar aggregate classification (germline): Likely pathogenic (1 of 4 stars; one submission).

Conditions:
Dilated cardiomyopathy 1J (CMD1J). Also called: CARDIOMYOPATHY, DILATED, WITH SENSORINEURAL HEARING LOSS, AUTOSOMAL DOMINANT. Identifiers: Orphanet 217622, MedGen C1854368, MONDO:0011541, OMIM 605362.

Allele frequency attached by ClinVar (database versions not stated): gnomAD exomes below 0.00001.
gnomAD v4.1: 1 of 1,613,492 alleles (0.000062%); highest among the groups gnomAD compares: Non-Finnish European, 0.000085%; no homozygotes.

Submission:

Labcorp Genetics (formerly Invitae), Labcorp
Classification: Likely pathogenic for Dilated cardiomyopathy 1J. Last evaluated: 2024-02-24. Review status: criteria provided, single submitter. Criteria: Invitae Variant Classification Sherloc (09022015). Collection method: clinical testing. Allele origin: germline.
Comment: This sequence change affects an acceptor splice site in intron 11 of the EYA4 gene. It is expected to disrupt RNA splicing. Variants that disrupt the donor or acceptor splice site typically lead to a loss of protein function (PMID: 16199547), and loss-of-function variants in EYA4 are known to be pathogenic (PMID: 11159937, 25781927, 25963406). This variant is not present in population databases (gnomAD no frequency). This variant has not been reported in the literature in individuals affected with EYA4-related conditions. ClinVar contains an entry for this variant (Variation ID: 1465552). Algorithms developed to predict the effect of sequence changes on RNA splicing suggest that this variant may disrupt the consensus splice site. In summary, the currently available evidence indicates that the variant is pathogenic, but additional data are needed to prove that conclusively. Therefore, this variant has been classified as Likely Pathogenic.

Literature cited by the submitters: PubMed 16199547; PubMed 11159937; PubMed 25781927; PubMed 25963406.

NM_004100.5(EYA4):c.971-2A>G

Gene: EYA4 (EYA transcriptional coactivator and phosphatase 4; plus strand). Cytogenetic location: 6q23.2.
Variant type: single nucleotide variant.
Coding change: c.971-2A>G on transcript NM_004100.5 (MANE Select); the canonical splice acceptor site of the intron before coding-DNA position 971, A replaced by G.
Molecular consequence: splice acceptor variant.
Genome position (GRCh38, 1-based): chr6:133,481,461, A>G. VCF-style: chr6-133481461-A-G. GRCh37 (hg19) VCF-style: chr6-133802599-A-G.
Other names: c.989-2A>G (NM_001301013.2); c.971-2A>G (NM_172105.4); c.902-2A>G (NM_001370458.1, NM_172103.4); c.827-2A>G (NM_001370459.1); c.809-2A>G (NM_001301012.2).
Identifiers: ClinVar variation 1465552 (VCV001465552.8), dbSNP rs1562470903, ClinGen allele CA365706283.